The following is an entry in ClinVar:

ClinVar aggregate classification (germline): Uncertain significance. Review status: criteria provided, multiple submitters, no conflicts (2 of 4 stars). 4 submissions from 4 submitters: Uncertain significance (4). Last evaluated 2026-05-12.

Conditions:
ABCB11-related disorder. Also called: ABCB11-related condition.
Familial intrahepatic cholestasis. Identifiers: Orphanet 284385, MedGen CN296401, MONDO:0017290.

Allele frequency attached by ClinVar (database versions not stated): gnomAD exomes below 0.00001; ExAC 0.00001; TOPMed 0.00002.
gnomAD v4.1: 1 of 1,613,916 alleles (0.000062%); highest among the groups gnomAD compares: Admixed American, 0.0017%; no homozygotes.

Submissions (4):

PreventionGenetics, part of Exact Sciences
Classification: Uncertain significance for ABCB11-related condition. Last evaluated: 2026-05-12. Review status: criteria provided, single submitter. Criteria: ACMG Guidelines, 2015. Collection method: clinical testing. Allele origin: germline.
Comment: The ABCB11 c.3517A>G variant is predicted to result in the amino acid substitution p.Asn1173Asp. This variant has been reported in the homozygous state and in the heterozygous state along with a second ABCB11 variant in several individuals with progressive familial intrahepatic cholestasis (Table 1, Kubitz et al. 2012. PubMed ID: 22795478; Table S2, Dröge et al. 2017. PubMed ID: 28733223; Table 1, Jeyaraj et al. 2021. PubMed ID: 34828443; Pfister et al. 2023. PubMed ID: 36995996). This variant is reported in 0.0029% of alleles in individuals of Latino descent in gnomAD. At this time, the clinical significance of this variant is uncertain due to the absence of conclusive functional and genetic evidence.

Genomenon, Inc
Classification: Uncertain significance for Familial intrahepatic cholestasis. Last evaluated: 2026-04-14. Review status: criteria provided, single submitter. Criteria: Genomenon Sequence Variant Interpretation Standards - Updated. Collection method: curation. Allele origin: germline. Affected: yes.
Comment: ABCB11 p.Asn1173Asp (c.3517A>G) is a missense variant that changes the amino acid at residue 1173 from Asparagine to Aspartic acid. This variant has been observed in at least one proband with an ABCB11-related disorder (PMID:37361697;36995996;34828443;28733223). It is absent or not present at a significant frequency in gnomAD. In silico models predict that this variant is possibly or probably damaging. In conclusion, we classify ABCB11 p.Asn1173Asp (c.3517A>G) as a variant of uncertain significance.

Labcorp Genetics (formerly Invitae), Labcorp
Classification: Uncertain significance. Last evaluated: 2024-09-04. Review status: criteria provided, single submitter. Criteria: Invitae Variant Classification Sherloc (09022015). Collection method: clinical testing. Allele origin: germline.
Comment: This sequence change replaces asparagine, which is neutral and polar, with aspartic acid, which is acidic and polar, at codon 1173 of the ABCB11 protein (p.Asn1173Asp). This variant is present in population databases (rs764069770, gnomAD 0.003%). This missense change has been observed in individual(s) with ABCB11-related conditions (PMID: 22795478). ClinVar contains an entry for this variant (Variation ID: 497615). Invitae Evidence Modeling of protein sequence and biophysical properties (such as structural, functional, and spatial information, amino acid conservation, physicochemical variation, residue mobility, and thermodynamic stability) indicates that this missense variant is expected to disrupt ABCB11 protein function with a positive predictive value of 95%. In summary, the available evidence is currently insufficient to determine the role of this variant in disease. Therefore, it has been classified as a Variant of Uncertain Significance.

Eurofins Ntd Llc (ga)
Classification: Uncertain significance. Last evaluated: 2016-09-27. Review status: criteria provided, single submitter. Criteria: EGL Classification Definitions 2015. Collection method: clinical testing. Allele origin: germline. Observed: 1 variant allele, 1 heterozygote.

Literature cited by the submitters: PubMed 37361697 (cited by Genomenon, Inc); PubMed 36995996 (cited by Genomenon, Inc); PubMed 34828443 (cited by Genomenon, Inc); PubMed 28733223 (cited by Genomenon, Inc); PubMed 22795478 (cited by Labcorp Genetics (formerly Invitae), Labcorp).

NM_003742.4(ABCB11):c.3517A>G (p.Asn1173Asp)

Gene: ABCB11 (ATP binding cassette subfamily B member 11; minus strand). Cytogenetic location: 2q31.1.
Variant type: single nucleotide variant.
Coding change: c.3517A>G on transcript NM_003742.4 (MANE Select); coding-DNA position 3517, A replaced by G.
Protein change: p.Asn1173Asp; replaces asparagine 1173 with aspartic acid.
Molecular consequence: missense variant.
Genome position (GRCh38, 1-based): chr2:168,927,257, T>C on the plus strand (A>G on the coding strand, the complement: ABCB11 is on the minus strand). VCF-style: chr2-168927257-T-C. GRCh37 (hg19) VCF-style: chr2-169783767-T-C.
Other names: c.3517A>G (NM_003742.2); c.3517A>G, p.Asn1173Asp (LRG_1199t1); short protein forms N1173D.
Identifiers: ClinVar variation 497615 (VCV000497615.12), dbSNP rs764069770, ClinGen allele CA1950999.